The following is an entry in ClinVar:

NM_032043.3(BRIP1):c.919-2A>G

Gene: BRIP1 (BRCA1 interacting DNA helicase 1; minus strand). Cytogenetic location: 17q23.2.
Variant type: single nucleotide variant.
Coding change: c.919-2A>G on transcript NM_032043.3 (MANE Select); the canonical splice acceptor site of the intron before coding-DNA position 919, A replaced by G.
Molecular consequence: splice acceptor variant.
Genome position (GRCh38, 1-based): chr17:61,801,476, T>C on the plus strand (A>G on the coding strand, the complement: BRIP1 is on the minus strand). VCF-style: chr17-61801476-T-C. GRCh37 (hg19) VCF-style: chr17-59878837-T-C.
Other names: c.919-2A>G (NM_032043.2).
Identifiers: ClinVar variation 3776759 (VCV003776759.3).

ClinVar aggregate classification (germline): Likely pathogenic. Review status: criteria provided, multiple submitters, no conflicts (2 of 4 stars). 3 submissions from 3 submitters: Likely pathogenic (3). Last evaluated 2026-08-06.

Conditions:
Familial ovarian cancer. Identifiers: MedGen C5679802, MONDO:0016248.
Inherited ovarian cancer (without breast cancer).

Submissions (3):

Myriad Genetics, Inc.
Classification: Likely pathogenic for Familial ovarian cancer. Last evaluated: 2026-08-06. Review status: criteria provided, single submitter. Criteria: Myriad Autosomal Dominant, Autosomal Recessive and X-Linked Classification Criteria (2023). Collection method: clinical testing. Allele origin: unknown.
Comment: This variant is considered likely pathogenic. This variant occurs within a consensus splice junction and is predicted to result in abnormal mRNA splicing of either an out-of-frame exon or an in-frame exon necessary for protein stability and/or normal function.

NHS Central & South Genomic Laboratory Hub
Classification: Likely pathogenic for Inherited ovarian cancer (without breast cancer). Last evaluated: 2025-04-09. Review status: criteria provided, single submitter. Criteria: ACMG Guidelines, 2015. Collection method: clinical testing. Allele origin: germline. Affected: yes.

Molecular Pathology, Peter Maccallum Cancer Centre
Classification: Likely pathogenic for Familial ovarian cancer. Last evaluated: 2024-01-15. Review status: criteria provided, single submitter. Criteria: ACMG Guidelines, 2015. Collection method: clinical testing. Allele origin: germline. Inheritance: Autosomal dominant inheritance.